The following is an entry in ClinVar:

ClinVar aggregate classification (germline): Uncertain significance (1 of 4 stars; one submission).

Allele frequency attached by ClinVar (database versions not stated): gnomAD exomes below 0.00001; TOPMed 0.00001.
gnomAD v4.1: 1 of 1,612,326 alleles (0.000062%); highest among the groups gnomAD compares: African/African-American, 0.0013%; no homozygotes.

Submission:

Ambry Genetics
Classification: Uncertain significance. Last evaluated: 2022-11-17. Review status: criteria provided, single submitter. Criteria: Ambry Variant Classification Scheme 2023. Collection method: clinical testing. Allele origin: germline.
Comment: The p.T407I variant (also known as c.1220C>T), located in coding exon 4 of the PALLD gene, results from a C to T substitution at nucleotide position 1220. The threonine at codon 407 is replaced by isoleucine, an amino acid with similar properties. This amino acid position is conserved. In addition, this alteration is predicted to be deleterious by in silico analysis. Since supporting evidence is limited at this time, the clinical significance of this alteration remains unclear.

NM_001166108.2(PALLD):c.1220C>T (p.Thr407Ile)

Gene: PALLD (palladin, cytoskeletal associated protein; plus strand). Cytogenetic location: 4q32.3.
Variant type: single nucleotide variant.
Coding change: c.1220C>T on transcript NM_001166108.2 (MANE Select); coding-DNA position 1220, C replaced by T.
Protein change: p.Thr407Ile; replaces threonine 407 with isoleucine.
Molecular consequence: missense variant.
Genome position (GRCh38, 1-based): chr4:168,683,063, C>T. VCF-style: chr4-168683063-C-T. GRCh37 (hg19) VCF-style: chr4-169604214-C-T.
Other names: c.74C>T, p.Thr25Ile (NM_001166109.2); c.1220C>T, p.Thr407Ile (NM_016081.4); short protein forms T407I, T25I.
Identifiers: ClinVar variation 2497002 (VCV002497002.2), dbSNP rs1285967566, ClinGen allele CA358794281.